The following is an entry in ClinVar:

ClinVar aggregate classification (germline): Uncertain significance (1 of 4 stars; one submission).

gnomAD v4.1: 3 of 1,614,046 alleles (0.00019%); highest among the groups gnomAD compares: Admixed American, 0.005%; no homozygotes.

Submission:

Labcorp Genetics (formerly Invitae), Labcorp
Classification: Uncertain significance. Last evaluated: 2025-01-06. Review status: criteria provided, single submitter. Criteria: Invitae Variant Classification Sherloc (09022015). Collection method: clinical testing. Allele origin: germline.
Comment: This sequence change replaces phenylalanine, which is neutral and non-polar, with serine, which is neutral and polar, at codon 1699 of the KIDINS220 protein (p.Phe1699Ser). This variant is present in population databases (rs762604646, gnomAD 0.009%). This variant has not been reported in the literature in individuals affected with KIDINS220-related conditions. An algorithm developed to predict the effect of missense changes on protein structure and function outputs the following: PolyPhen-2: "Benign". The serine amino acid residue is found in multiple mammalian species, which suggests that this missense change does not adversely affect protein function. In summary, the available evidence is currently insufficient to determine the role of this variant in disease. Therefore, it has been classified as a Variant of Uncertain Significance.

NM_020738.4(KIDINS220):c.5096T>C (p.Phe1699Ser)

Gene: KIDINS220 (kinase D interacting substrate 220; minus strand). Cytogenetic location: 2p25.1.
Variant type: single nucleotide variant.
Coding change: c.5096T>C on transcript NM_020738.4 (MANE Select); coding-DNA position 5096, T replaced by C.
Protein change: p.Phe1699Ser; replaces phenylalanine 1699 with serine.
Molecular consequence: missense variant. On other transcripts: intron variant (6).
Genome position (GRCh38, 1-based): chr2:8,730,940, A>G on the plus strand (T>C on the coding strand, the complement: KIDINS220 is on the minus strand). VCF-style: chr2-8730940-A-G. GRCh37 (hg19) VCF-style: chr2-8871070-A-G.
Other names: c.5099T>C, p.Phe1700Ser (NM_001348729.2); c.5042T>C, p.Phe1681Ser (NM_001348731.2); c.5039T>C, p.Phe1680Ser (NM_001348732.2); c.4928T>C, p.Phe1643Ser (NM_001348734.2); c.4925T>C, p.Phe1642Ser (NM_001348735.2); c.4799T>C, p.Phe1600Ser (NM_001348736.2); c.3882+2504T>C (NM_001348741.2, NM_001348742.2, NM_001348743.2); c.3996+2504T>C (NM_001348738.2); and 1 more; short protein forms F1600S, F1642S, F1643S, F1680S, F1681S, F1699S, F1700S.
Identifiers: ClinVar variation 3618381 (VCV003618381.2).